The following is an entry in ClinVar:

ClinVar aggregate classification (germline): Uncertain significance. Review status: criteria provided, multiple submitters, no conflicts (2 of 4 stars). 2 submissions from 2 submitters: Uncertain significance (2). Last evaluated 2023-08-30.

Conditions:
Inborn genetic diseases. Identifiers: MedGen C0950123, MeSH D030342.

Allele frequency attached by ClinVar (database versions not stated): gnomAD 0.00001 and 0.00004; gnomAD exomes 0.00001 and 0.00006; TOPMed 0.00001; ExAC 0.00008; 1000 Genomes Project 0.00060; 1000 Genomes Project 30x 0.00062.
gnomAD v4.1: 27 of 1,563,962 alleles (0.0017%); highest among the groups gnomAD compares: East Asian, 0.027%; no homozygotes.

Submissions (2):

Labcorp Genetics (formerly Invitae), Labcorp
Classification: Uncertain significance. Last evaluated: 2023-08-30. Review status: criteria provided, single submitter. Criteria: Invitae Variant Classification Sherloc (09022015). Collection method: clinical testing. Allele origin: germline.
Comment: This sequence change replaces serine, which is neutral and polar, with cysteine, which is neutral and slightly polar, at codon 739 of the TONSL protein (p.Ser739Cys). This variant is present in population databases (rs544190218, gnomAD 0.04%). In summary, the available evidence is currently insufficient to determine the role of this variant in disease. Therefore, it has been classified as a Variant of Uncertain Significance. Advanced modeling of protein sequence and biophysical properties (such as structural, functional, and spatial information, amino acid conservation, physicochemical variation, residue mobility, and thermodynamic stability) performed at Invitae indicates that this missense variant is expected to disrupt TONSL protein function. ClinVar contains an entry for this variant (Variation ID: 1376170). This variant has not been reported in the literature in individuals affected with TONSL-related conditions.

Ambry Genetics
Classification: Uncertain significance for Inborn genetic diseases. Last evaluated: 2021-07-20. Review status: criteria provided, single submitter. Criteria: Ambry Variant Classification Scheme 2023. Collection method: clinical testing. Allele origin: germline.

NM_013432.5(TONSL):c.2215A>T (p.Ser739Cys)

Genes: TONSL (tonsoku like, DNA repair protein; minus strand), TONSL-AS1 (TONSL antisense RNA 1; plus strand). Cytogenetic location: 8q24.3.
Variant type: single nucleotide variant.
Coding change: c.2215A>T on transcript NM_013432.5 (MANE Select); coding-DNA position 2215, A replaced by T.
Protein change: p.Ser739Cys; replaces serine 739 with cysteine.
Molecular consequence: missense variant.
Genome position (GRCh38, 1-based): chr8:144,436,218, T>A on the plus strand (A>T on the coding strand, the complement: TONSL is on the minus strand). VCF-style: chr8-144436218-T-A. GRCh37 (hg19) VCF-style: chr8-145661601-T-A.
Other names: c.2215A>T (NM_013432.4); short protein forms S739C.
Identifiers: ClinVar variation 1376170 (VCV001376170.6), dbSNP rs544190218, ClinGen allele CA4942896.